The following is an entry in ClinVar:

ClinVar aggregate classification (germline): Uncertain significance (1 of 4 stars; one submission).

Submission:

Labcorp Genetics (formerly Invitae), Labcorp
Classification: Uncertain significance. Last evaluated: 2022-02-22. Review status: criteria provided, single submitter. Criteria: Invitae Variant Classification Sherloc (09022015). Collection method: clinical testing. Allele origin: germline.
Comment: This variant is not present in population databases (gnomAD no frequency). This sequence change replaces proline, which is neutral and non-polar, with serine, which is neutral and polar, at codon 2815 of the COL7A1 protein (p.Pro2815Ser). In summary, the available evidence is currently insufficient to determine the role of this variant in disease. Therefore, it has been classified as a Variant of Uncertain Significance. Algorithms developed to predict the effect of missense changes on protein structure and function (SIFT, PolyPhen-2, Align-GVGD) all suggest that this variant is likely to be tolerated. This variant has not been reported in the literature in individuals affected with COL7A1-related conditions.

NM_000094.4(COL7A1):c.8443C>T (p.Pro2815Ser)

Gene: COL7A1 (collagen type VII alpha 1 chain; minus strand). Cytogenetic location: 3p21.31.
Variant type: single nucleotide variant.
Coding change: c.8443C>T on transcript NM_000094.4 (MANE Select); coding-DNA position 8443, C replaced by T.
Protein change: p.Pro2815Ser; replaces proline 2815 with serine.
Molecular consequence: missense variant.
Genome position (GRCh38, 1-based): chr3:48,565,494, G>A on the plus strand (C>T on the coding strand, the complement: COL7A1 is on the minus strand). VCF-style: chr3-48565494-G-A. GRCh37 (hg19) VCF-style: chr3-48602927-G-A.
Other names: short protein forms P2815S.
Identifiers: ClinVar variation 2102092 (VCV002102092.4), dbSNP rs1427194432, ClinGen allele CA352635315.